The following is an entry in ClinVar:

NM_001308120.2(TOGARAM1):c.2329_2338delinsTAAGAAAAA (p.Gln777_Val780delinsTer)

Gene: TOGARAM1 (TOG array regulator of axonemal microtubules 1; plus strand). Cytogenetic location: 14q21.2.
Variant type: Indel.
Coding change: c.2329_2338delinsTAAGAAAAA on transcript NM_001308120.2 (MANE Select); coding-DNA positions 2329 to 2338, CAAGAAAAAG replaced by TAAGAAAAA.
Protein change: p.Gln777_Val780delinsTer.
Molecular consequence: nonsense. On other transcripts: non-coding transcript variant (1).
Genome position (GRCh38, 1-based): chr14:44,999,488-44,999,497, CAAGAAAAAG replaced by TAAGAAAAA. VCF-style: chr14-44999488-CAAGAAAAAG-TAAGAAAAA. GRCh37 (hg19) VCF-style: chr14-45468691-CAAGAAAAAG-TAAGAAAAA.
Other names: c.2329_2338delinsTAAGAAAAA, p.Gln777_Val780delinsTer (NM_015091.4).
Identifiers: ClinVar variation 4850236 (VCV004850236.1).

ClinVar aggregate classification (germline): Likely pathogenic (1 of 4 stars; one submission).

Conditions:
Joubert syndrome 37. Identifiers: MedGen C5543064, MONDO:0030933, OMIM 619185.

Submission:

First Genomix Gene Laboratory, Genetic Diagnostics Department
Classification: Likely pathogenic for Joubert syndrome 37. Last evaluated: 2025-08-29. Review status: criteria provided, single submitter. Criteria: ACMG Guidelines, 2015. Collection method: clinical testing. Allele origin: germline. Inheritance: Autosomal recessive inheritance. Affected: no. Observed: 1 variant allele.